The following is an entry in ClinVar:

NM_000179.3(MSH6):c.757_758del (p.Asp253fs)

Gene: MSH6 (mutS homolog 6; plus strand). Cytogenetic location: 2p16.3.
Variant type: Deletion.
Coding change: c.757_758del on transcript NM_000179.3 (MANE Select); coding-DNA positions 757 to 758, 2 bases deleted (GA; older notation c.757_758delGA).
Protein change: p.Asp253fs; shifts the reading frame from aspartic acid 253.
Molecular consequence: frameshift variant. On other transcripts: 5 prime UTR variant (2).
Genome position (GRCh38, 1-based): chr2:47,798,740-47,798,741, GA deleted; deleting any 2 consecutive bases within chr2:47,798,739-47,798,741 gives the same sequence; the c. name uses the placement nearest the transcript's 3' end. VCF-style (leftmost placement, unchanged base first): chr2-47798738-CAG-C. GRCh37 (hg19) VCF-style: chr2-48025877-CAG-C.
Other names: c.757_758delGA (NM_000179.2); c.367_368del, p.Asp123fs (NM_001281492.2); c.-150_-149del (NM_001281493.2, NM_001281494.2); short protein forms D123fs, D253fs.
Identifiers: ClinVar variation 855376 (VCV000855376.11), dbSNP rs1669252923, ClinGen allele CA916079905.
Genomic context (GRCh38, chr2:47,798,738, plus strand): 5'-AGCCTAAGACACAAGGATCTAGGCGAAGTAGCCGCCAAATAAAAAAACGAAGGGTCATAT[CAG>C]ATTCTGAGAGTGACATTGGTGGCTCTGATGTGGAATTTAAGCCAGACACTAAGGAGGAAG-3'

ClinVar aggregate classification (germline): Pathogenic. Review status: criteria provided, multiple submitters, no conflicts (2 of 4 stars). 3 submissions from 3 submitters: Pathogenic (3). Last evaluated 2023-08-10.

Conditions:
Hereditary cancer-predisposing syndrome. Also called: Neoplastic Syndromes, Hereditary; Hereditary Cancer Syndrome; Tumor predisposition; Hereditary neoplastic syndrome. Identifiers: Orphanet 140162, MedGen C0027672, MeSH D009386, MONDO:0015356.
Hereditary nonpolyposis colorectal neoplasms. Identifiers: MedGen C0009405, MeSH D003123.
Lynch syndrome 5 (LYNCH5). Also called: Colorectal cancer, hereditary nonpolyposis, type 5; Hereditary non-polyposis colorectal cancer, type 5. Identifiers: Orphanet 144, MedGen C1833477, MONDO:0013710, OMIM 614350. Disease mechanism: loss of function.

Submissions (3):

Myriad Genetics, Inc.
Classification: Pathogenic for Lynch syndrome 5. Last evaluated: 2023-08-10. Review status: criteria provided, single submitter. Criteria: Myriad Autosomal Dominant, Autosomal Recessive and X-Linked Classification Criteria (2023). Collection method: clinical testing. Allele origin: unknown.
Comment: This variant is considered pathogenic. This variant creates a frameshift predicted to result in premature protein truncation.

Labcorp Genetics (formerly Invitae), Labcorp
Classification: Pathogenic for Hereditary nonpolyposis colorectal neoplasms. Last evaluated: 2022-08-23. Review status: criteria provided, single submitter. Criteria: Invitae Variant Classification Sherloc (09022015). Collection method: clinical testing. Allele origin: germline.
Comment: This sequence change creates a premature translational stop signal (p.Asp253Phefs*2) in the MSH6 gene. It is expected to result in an absent or disrupted protein product. Loss-of-function variants in MSH6 are known to be pathogenic (PMID: 18269114, 24362816). This variant is not present in population databases (gnomAD no frequency). This variant has not been reported in the literature in individuals affected with MSH6-related conditions. ClinVar contains an entry for this variant (Variation ID: 855376). For these reasons, this variant has been classified as Pathogenic.

Ambry Genetics
Classification: Pathogenic for Hereditary cancer-predisposing syndrome. Last evaluated: 2021-07-13. Review status: criteria provided, single submitter. Criteria: Ambry Variant Classification Scheme 2023. Collection method: clinical testing. Allele origin: germline.
Comment: The c.757_758delGA pathogenic mutation, located in coding exon 4 of the MSH6 gene, results from a deletion of two nucleotides at nucleotide positions 757 to 758, causing a translational frameshift with a predicted alternate stop codon (p.D253Ffs*2). This alteration is expected to result in loss of function by premature protein truncation or nonsense-mediated mRNA decay. As such, this alteration is interpreted as a disease-causing mutation.

Literature cited by the submitters: PubMed 18269114 (cited by Labcorp Genetics (formerly Invitae), Labcorp); PubMed 24362816 (cited by Labcorp Genetics (formerly Invitae), Labcorp).